The following is an entry in ClinVar:

NM_001260.3(CDK8):c.469A>C (p.Ile157Leu)

Gene: CDK8 (cyclin dependent kinase 8; plus strand). Cytogenetic location: 13q12.13.
Variant type: single nucleotide variant.
Coding change: c.469A>C on transcript NM_001260.3 (MANE Select); coding-DNA position 469, A replaced by C.
Protein change: p.Ile157Leu; replaces isoleucine 157 with leucine.
Molecular consequence: missense variant. On other transcripts: intron variant (1).
Genome position (GRCh38, 1-based): chr13:26,382,826, A>C. VCF-style: chr13-26382826-A-C. GRCh37 (hg19) VCF-style: chr13-26956963-A-C.
Other names: c.469A>C, p.Ile157Leu (NM_001318368.2); c.-5-2385A>C (NM_001346501.2); short protein forms I157L.
Identifiers: ClinVar variation 3731464 (VCV003731464.1).
Genomic context (GRCh38, chr13:26,382,826, plus strand): 5'-AGAAACCACTACTGTCTACTGAAAAAAAACACTATTTTGTTTCCACAGAAACCTGCTAAT[A>C]TTTTAGTTATGGGTGAAGGTCCTGAGCGAGGAAGAGTAAAAATTGGTATGTTATATCTTT-3'
Protein context (NP_001251.1, residues 147-167): VLHRDLKPAN[Ile157Leu]LVMGEGPERG

ClinVar aggregate classification (germline): Uncertain significance (1 of 4 stars; one submission).

Conditions:
Intellectual developmental disorder with hypotonia and behavioral abnormalities. Identifiers: MedGen C5231489, MONDO:0032897, OMIM 618748.

Submission:

Neuberg Centre For Genomic Medicine, NCGM
Classification: Uncertain significance for Intellectual developmental disorder with hypotonia and behavioral abnormalities. Review status: criteria provided, single submitter. Criteria: ACMG Guidelines, 2015. Collection method: clinical testing. Allele origin: germline. Inheritance: Autosomal dominant inheritance. Affected: yes.
Comment: The missense c.469A>C (p.Ile157Leu) variant in CDK8 gene has not been reported previously as a pathogenic variant nor as a benign variant, to our knowledge. The p.Ile157Leu variant is absent in gnomAD Exomes. This variant has not been submitted to the ClinVar database. Multiple lines of computational evidence (Polyphen - Probably Damaging, SIFT - Damaging and MutationTaster - Disease causing) predict a damaging effect on protein structure and function for this variant. The reference amino acid at this position on CDK8 is predicted as conserved by GERP++ and PhyloP across 100 vertebrates. The amino acid Ile at position 157 is changed to a Leu changing protein sequence and it might alter its composition and physico-chemical properties. For these reasons, this variant has been classified as a Variant of Uncertain Significance (VUS).